The following is an entry in ClinVar:

ClinVar aggregate classification (germline): Likely pathogenic (1 of 4 stars; one submission).

Conditions:
Dilated cardiomyopathy 1G (CMD1G). Identifiers: Orphanet 154, MedGen C1858763, MONDO:0011400, OMIM 604145.
Autosomal recessive limb-girdle muscular dystrophy type 2J (LGMDR10). Also called: Limb-girdle muscular dystrophy, type 2J; MUSCULAR DYSTROPHY, LIMB-GIRDLE, AUTOSOMAL RECESSIVE 10. Identifiers: Orphanet 140922, MedGen C1837342, MONDO:0012127, OMIM 608807.

Submission:

Labcorp Genetics (formerly Invitae), Labcorp
Classification: Likely pathogenic for Dilated cardiomyopathy 1G; Autosomal recessive limb-girdle muscular dystrophy type 2J. Last evaluated: 2024-10-18. Review status: criteria provided, single submitter. Criteria: Invitae Variant Classification Sherloc (09022015). Collection method: clinical testing. Allele origin: germline.
Comment: This sequence change affects an acceptor splice site in intron 73 of the TTN gene. It is expected to disrupt RNA splicing and likely results in a truncated or disrupted TTN protein. This variant is not present in population databases (gnomAD no frequency). This variant has not been reported in the literature in individuals affected with TTN-related conditions. Algorithms developed to predict the effect of sequence changes on RNA splicing suggest that this variant may disrupt the consensus splice site. This variant is located in the I band of TTN (PMID: 25589632). Truncating variants in this region have been reported in individuals affected with autosomal recessive centronuclear myopathy (PMID: 23975875, internal data). Truncating variants in this region have also been identified in individuals affected with autosomal dominant dilated cardiomyopathy and/or cardio-related conditions (PMID: 27869827, 32964742, internal data). In summary, the currently available evidence indicates that the variant is pathogenic, but additional data are needed to prove that conclusively. Therefore, this variant has been classified as Likely Pathogenic.

Literature cited by the submitters: PubMed 25589632; PubMed 23975875; PubMed 27869827; PubMed 32964742.

NM_001267550.2(TTN):c.21404-1G>C

Genes: TTN (titin; minus strand), LOC126806428 (BRD4-independent group 4 enhancer GRCh37_chr2:179588362-179589561; plus strand). Cytogenetic location: 2q31.2.
Variant type: single nucleotide variant.
Coding change: c.21404-1G>C on transcript NM_001267550.2 (MANE Select); the canonical splice acceptor site of the intron before coding-DNA position 21404, G replaced by C.
Molecular consequence: splice acceptor variant. On other transcripts: intron variant (3).
Genome position (GRCh38, 1-based): chr2:178,723,697, C>G on the plus strand (G>C on the coding strand, the complement: TTN is on the minus strand). VCF-style: chr2-178723697-C-G. GRCh37 (hg19) VCF-style: chr2-179588424-C-G.
Other names: c.13282+14385G>C (NM_003319.4); c.13858+14385G>C (NM_133437.4); c.13657+14385G>C (NM_133432.3); c.17672-1G>C (NM_133378.4); c.20453-1G>C (NM_001256850.1).
Identifiers: ClinVar variation 2945547 (VCV002945547.3), dbSNP rs1433170500, ClinGen allele CA349534992.